The following is an entry in ClinVar:

NM_002454.3(MTRR):c.55G>A (p.Ala19Thr)

Gene: MTRR (5-methyltetrahydrofolate-homocysteine methyltransferase reductase; plus strand). Cytogenetic location: 5p15.31.
Variant type: single nucleotide variant.
Coding change: c.55G>A on transcript NM_002454.3 (MANE Select); coding-DNA position 55, G replaced by A.
Protein change: p.Ala19Thr; replaces alanine 19 with threonine.
Molecular consequence: missense variant. On other transcripts: non-coding transcript variant (14).
Genome position (GRCh38, 1-based): chr5:7,870,849, G>A. VCF-style: chr5-7870849-G-A. GRCh37 (hg19) VCF-style: chr5-7870962-G-A.
Other names: p.Ala19Thr; c.55G>A, p.Ala19Thr (NM_001364440.2, NM_001364441.2, NM_001364442.2 and 1 more transcripts); short protein forms A19T.
Identifiers: ClinVar variation 2045123 (VCV002045123.3), dbSNP rs114847469, ClinGen allele CA3195465.

ClinVar aggregate classification (germline): Uncertain significance. Review status: criteria provided, multiple submitters, no conflicts (2 of 4 stars). 3 submissions from 3 submitters: Uncertain significance (3). Last evaluated 2026-04-09.

Conditions:
Methylcobalamin deficiency type cblE (HMAE). Also called: VITAMIN B12-RESPONSIVE HOMOCYSTINURIA, cblE TYPE; HOMOCYSTINURIA-MEGALOBLASTIC ANEMIA, cblE COMPLEMENTATION TYPE; HOMOCYSTINURIA-MEGALOBLASTIC ANEMIA, cblE TYPE. Identifiers: Orphanet 2169, Orphanet 622, MedGen C1856057, MONDO:0009354, OMIM 236270.

Allele frequency attached by ClinVar (database versions not stated): TOPMed 0.00039; gnomAD exomes 0.00005; gnomAD 0.00033; 1000 Genomes Project 0.00040; 1000 Genomes Project 30x 0.00047; ESP Exome Variant Server 0.00008; ExAC 0.00013.
gnomAD v4.1: 122 of 1,614,190 alleles (0.0076%); highest among the groups gnomAD compares: African/African-American, 0.12%; no homozygotes.

Submissions (3):

Foundation for Research in Genetics and Endocrinology, FRIGE's Institute of Human Genetics
Classification: Uncertain significance for Methylcobalamin deficiency type cblE. Last evaluated: 2026-04-09. Review status: criteria provided, single submitter. Criteria: ACMG Guidelines, 2015. Collection method: clinical testing. Allele origin: germline. Inheritance: Autosomal recessive inheritance. Affected: yes. Observed: 1 variant allele, 1 compound heterozygote.
Comment: A heterozygous missense variant in exon 2 of the MTRR gene that results in the amino acid substitution of Threonine for Alanine at codon 19 was detected. The observed variant c.55G>A has not been reported in the 1000 genomes and has a minor allele frequency of 0.007% in the gnomAD databases. The in-silico prediction of the variant is damaging by MutationTaster2, DANN, SIFT and FATHMM. This variant has been detected in likely compound heterozygous status with another likely pathogenic variant in the MTRR gene. In summary, the variant meets our criteria to be classified as a variant of uncertain significance.

ARUP Laboratories, Molecular Genetics and Genomics, ARUP Laboratories
Classification: Uncertain significance. Last evaluated: 2024-08-13. Review status: criteria provided, single submitter. Criteria: ARUP Molecular Germline Variant Investigation Process 2024. Collection method: clinical testing. Allele origin: germline.
Comment: The MTRR c.55G>A; p.Ala19Thr variant (rs114847469), to our knowledge, is not reported in the medical literature but is reported in ClinVar (Variation ID: 2045123). This variant is found in the general population with an overall allele frequency of 0.012% (34/282882 alleles) in the Genome Aggregation Database (v2.1.1). Computational analyses predict that this variant is deleterious (REVEL: 0.775). Due to limited information, the clinical significance of this variant is uncertain at this time.

Labcorp Genetics (formerly Invitae), Labcorp
Classification: Uncertain significance for Methylcobalamin deficiency type cblE. Last evaluated: 2022-05-30. Review status: criteria provided, single submitter. Criteria: Invitae Variant Classification Sherloc (09022015). Collection method: clinical testing. Allele origin: germline.
Comment: This sequence change replaces alanine, which is neutral and non-polar, with threonine, which is neutral and polar, at codon 19 of the MTRR protein (p.Ala19Thr). This variant is present in population databases (rs114847469, gnomAD 0.09%). This variant has not been reported in the literature in individuals affected with MTRR-related conditions. Algorithms developed to predict the effect of missense changes on protein structure and function are either unavailable or do not agree on the potential impact of this missense change (SIFT: "Tolerated"; PolyPhen-2: "Probably Damaging"; Align-GVGD: "Class C0"). In summary, the available evidence is currently insufficient to determine the role of this variant in disease. Therefore, it has been classified as a Variant of Uncertain Significance.